The following is an entry in ClinVar:

NM_005876.5(SPEG):c.7637G>T (p.Arg2546Leu)

Genes: ASIC4-AS1 (ASIC4 antisense RNA 1; minus strand), SPEG (striated muscle enriched protein kinase; plus strand). Cytogenetic location: 2q35.
Variant type: single nucleotide variant.
Coding change: c.7637G>T on transcript NM_005876.5 (MANE Select); coding-DNA position 7637, G replaced by T.
Protein change: p.Arg2546Leu; replaces arginine 2546 with leucine.
Molecular consequence: missense variant.
Genome position (GRCh38, 1-based): chr2:219,485,373, G>T. VCF-style: chr2-219485373-G-T. GRCh37 (hg19) VCF-style: chr2-220350095-G-T.
Other names: c.7637G>T (NM_005876.4); short protein forms R2546L.
Identifiers: ClinVar variation 3607153 (VCV003607153.3).
Genomic context (GRCh38, chr2:219,485,373, plus strand): 5'-TGAACAAATACTCACGGGCCTGAGTCTTCACAGCCCCAGGGGAAAGCCGAAGCCGGCTCC[G>T]CTGGGGCTTCTCTCGGCCGCGGAAGGACAAGGGGTTATCGCCACCAAACCTCTCTGCCAG-3'
Protein context (NP_005867.3, residues 2536-2556): SAPGESRSRL[Arg2546Leu]WGFSRPRKDK

ClinVar aggregate classification (germline): Uncertain significance. Review status: criteria provided, multiple submitters, no conflicts (2 of 4 stars). 2 submissions from 2 submitters: Uncertain significance (2). Last evaluated 2025-06-22.

Conditions:
Inborn genetic diseases. Identifiers: MedGen C0950123, MeSH D030342.

gnomAD v4.1: 27 of 1,607,128 alleles (0.0017%); highest among the groups gnomAD compares: South Asian, 0.02%; 1 homozygote.

Submissions (2):

Ambry Genetics
Classification: Uncertain significance for Inborn genetic diseases. Last evaluated: 2025-06-22. Review status: criteria provided, single submitter. Criteria: Ambry Variant Classification Scheme 2023. Collection method: clinical testing. Allele origin: germline.

Labcorp Genetics (formerly Invitae), Labcorp
Classification: Uncertain significance. Last evaluated: 2025-01-24. Review status: criteria provided, single submitter. Criteria: Invitae Variant Classification Sherloc (09022015). Collection method: clinical testing. Allele origin: germline.
Comment: This sequence change replaces arginine, which is basic and polar, with leucine, which is neutral and non-polar, at codon 2546 of the SPEG protein (p.Arg2546Leu). This variant is present in population databases (rs750554809, gnomAD 0.02%). This variant has not been reported in the literature in individuals affected with SPEG-related conditions. An algorithm developed to predict the effect of missense changes on protein structure and function (PolyPhen-2) suggests that this variant is likely to be tolerated. In summary, the available evidence is currently insufficient to determine the role of this variant in disease. Therefore, it has been classified as a Variant of Uncertain Significance.